The following is an entry in ClinVar:

NM_000263.4(NAGLU):c.2221G>A (p.Gly741Ser)

Gene: NAGLU (N-acetyl-alpha-glucosaminidase; plus strand). Cytogenetic location: 17q21.2.
Variant type: single nucleotide variant.
Coding change: c.2221G>A on transcript NM_000263.4 (MANE Select); coding-DNA position 2221, G replaced by A.
Protein change: p.Gly741Ser; replaces glycine 741 with serine.
Molecular consequence: missense variant.
Genome position (GRCh38, 1-based): chr17:42,544,227, G>A. VCF-style: chr17-42544227-G-A. GRCh37 (hg19) VCF-style: chr17-40696245-G-A.
Other names: short protein forms G741S.
Identifiers: ClinVar variation 1522868 (VCV001522868.4), dbSNP rs553153753, ClinGen allele CA8577164.

ClinVar aggregate classification (germline): Uncertain significance (1 of 4 stars; one submission).

Conditions:
Mucopolysaccharidosis, MPS-III-B (MPS3B). Also called: N-ACETYL-ALPHA-D-GLUCOSAMINIDASE DEFICIENCY; NAGLU DEFICIENCY; SANFILIPPO SYNDROME B; MPS III B; MPS IIIB (Sanfilippo Syndrome Type B); MUCOPOLYSACCHARIDOSIS, TYPE IIIB. Identifiers: Orphanet 79270, MedGen C0086648, MONDO:0009656, OMIM 252920.
Charcot-Marie-Tooth disease axonal type 2V. Also called: CHARCOT-MARIE-TOOTH NEUROPATHY, TYPE 2V; CHARCOT-MARIE-TOOTH DISEASE, AXONAL, AUTOSOMAL DOMINANT, TYPE 2V. Identifiers: Orphanet 447964, MedGen C5569050, MONDO:0014665, OMIM 616491.

Allele frequency attached by ClinVar (database versions not stated): TOPMed 0.00001; gnomAD exomes 0.00003 and 0.00001; ExAC 0.00003; gnomAD 0.00001.

Submission:

Labcorp Genetics (formerly Invitae), Labcorp
Classification: Uncertain significance for Charcot-Marie-Tooth disease axonal type 2V; Mucopolysaccharidosis, MPS-III-B. Last evaluated: 2023-11-27. Review status: criteria provided, single submitter. Criteria: Invitae Variant Classification Sherloc (09022015). Collection method: clinical testing. Allele origin: germline.
Comment: This sequence change replaces glycine, which is neutral and non-polar, with serine, which is neutral and polar, at codon 741 of the NAGLU protein (p.Gly741Ser). This variant is present in population databases (rs553153753, gnomAD 0.02%). This variant has not been reported in the literature in individuals affected with NAGLU-related conditions. ClinVar contains an entry for this variant (Variation ID: 1522868). Advanced modeling of protein sequence and biophysical properties (such as structural, functional, and spatial information, amino acid conservation, physicochemical variation, residue mobility, and thermodynamic stability) performed at Invitae indicates that this missense variant is expected to disrupt NAGLU protein function with a positive predictive value of 95%. In summary, the available evidence is currently insufficient to determine the role of this variant in disease. Therefore, it has been classified as a Variant of Uncertain Significance.